The following is an entry in ClinVar:

ClinVar aggregate classification (germline): Uncertain significance (1 of 4 stars; one submission).

Submission:

GeneDx
Classification: Uncertain significance. Last evaluated: 2022-04-21. Review status: criteria provided, single submitter. Criteria: GeneDx Variant Classification Process June 2021. Collection method: clinical testing. Allele origin: germline. Affected: yes.
Comment: Not observed at significant frequency in large population cohorts (gnomAD); In silico analysis supports that this missense variant does not alter protein structure/function; Has not been previously published as pathogenic or benign to our knowledge; This variant is associated with the following publications: (PMID: 25942534, 25678562, 23521649)

NM_001130823.3(DNMT1):c.1829A>G (p.Gln610Arg)

Gene: DNMT1 (DNA methyltransferase 1; minus strand). Cytogenetic location: 19p13.2.
Variant type: single nucleotide variant.
Coding change: c.1829A>G on transcript NM_001130823.3 (MANE Select); coding-DNA position 1829, A replaced by G.
Protein change: p.Gln610Arg; replaces glutamine 610 with arginine.
Molecular consequence: missense variant.
Genome position (GRCh38, 1-based): chr19:10,154,589, T>C on the plus strand (A>G on the coding strand, the complement: DNMT1 is on the minus strand). VCF-style: chr19-10154589-T-C. GRCh37 (hg19) VCF-style: chr19-10265265-T-C.
Other names: c.1781A>G, p.Gln594Arg (NM_001318730.2, NM_001379.4); c.1466A>G, p.Gln489Arg (NM_001318731.2); short protein forms Q489R, Q594R, Q610R.
Identifiers: ClinVar variation 1712063 (VCV001712063.2), dbSNP rs2513821347, ClinGen allele CA403934326.